The following is an entry in ClinVar:

NM_153704.6(TMEM67):c.1758G>T (p.Trp586Cys)

Gene: TMEM67 (transmembrane protein 67; plus strand). Cytogenetic location: 8q22.1.
Variant type: single nucleotide variant.
Coding change: c.1758G>T on transcript NM_153704.6 (MANE Select); coding-DNA position 1758, G replaced by T.
Protein change: p.Trp586Cys; replaces tryptophan 586 with cysteine.
Molecular consequence: missense variant. On other transcripts: non-coding transcript variant (1).
Genome position (GRCh38, 1-based): chr8:93,795,492, G>T. VCF-style: chr8-93795492-G-T. GRCh37 (hg19) VCF-style: chr8-94807720-G-T.
Other names: c.1515G>T, p.Trp505Cys (NM_001142301.1); c.1758G>T (NM_153704.5); short protein forms W505C, W586C.
Identifiers: ClinVar variation 1379409 (VCV001379409.7), dbSNP rs1814570287, ClinGen allele CA371692445.

ClinVar aggregate classification (germline): Uncertain significance. Review status: criteria provided, multiple submitters, no conflicts (2 of 4 stars). 2 submissions from 2 submitters: Uncertain significance (2). Last evaluated 2026-09-14.

Conditions:
Joubert syndrome. Also called: Familial aplasia of the vermis; JOUBERT-BOLTSHAUSER SYNDROME. Identifiers: Orphanet 475, MedGen C5979921, MONDO:0018772.
Meckel-Gruber syndrome. Also called: Dysencephalia splachnocystica; GRUBER SYNDROME; DYSENCEPHALIA SPLANCHNOCYSTICA. Identifiers: Orphanet 564, MedGen C0265215, MONDO:0018921.
TMEM67-related disorder. Also called: TMEM67-related disorders; TMEM67-related condition. Identifiers: MedGen CN239423.

Submissions (2):

PreventionGenetics, part of Exact Sciences
Classification: Uncertain significance for TMEM67-related condition. Last evaluated: 2026-09-14. Review status: criteria provided, single submitter. Criteria: ACMG Guidelines, 2015. Collection method: clinical testing. Allele origin: germline.
Comment: The TMEM67 c.1758G>T variant is predicted to result in the amino acid substitution p.Trp586Cys. To our knowledge, this variant has not been reported in the literature or in a large population database (gnomAD), indicating this variant is rare. At this time, the clinical significance of this variant is uncertain due to the absence of conclusive functional and genetic evidence.

Labcorp Genetics (formerly Invitae), Labcorp
Classification: Uncertain significance for Joubert syndrome; Meckel-Gruber syndrome. Last evaluated: 2025-06-02. Review status: criteria provided, single submitter. Criteria: Invitae Variant Classification Sherloc (09022015). Collection method: clinical testing. Allele origin: germline.
Comment: This sequence change replaces tryptophan, which is neutral and slightly polar, with cysteine, which is neutral and slightly polar, at codon 586 of the TMEM67 protein (p.Trp586Cys). This variant is not present in population databases (gnomAD no frequency). This variant has not been reported in the literature in individuals affected with TMEM67-related conditions. ClinVar contains an entry for this variant (Variation ID: 1379409). Invitae Evidence Modeling of protein sequence and biophysical properties (such as structural, functional, and spatial information, amino acid conservation, physicochemical variation, residue mobility, and thermodynamic stability) indicates that this missense variant is expected to disrupt TMEM67 protein function with a positive predictive value of 95%. In summary, the available evidence is currently insufficient to determine the role of this variant in disease. Therefore, it has been classified as a Variant of Uncertain Significance.